The following is an entry in ClinVar:

ClinVar aggregate classification (germline): Uncertain significance (1 of 4 stars; one submission).

Conditions:
Primary dilated cardiomyopathy (DCM). Also called: Dilated Cardiomyopathy. Identifiers: Orphanet 217604, MedGen C0007193, MeSH D002311, MONDO:0005021, HP:0001644. Inheritance: Various modes of inheritance.

gnomAD v4.1: 21 of 1,596,170 alleles (0.0013%); highest among the groups gnomAD compares: Non-Finnish European, 0.0015%; no homozygotes.

Submission:

Labcorp Genetics (formerly Invitae), Labcorp
Classification: Uncertain significance for Primary dilated cardiomyopathy. Last evaluated: 2025-09-05. Review status: criteria provided, single submitter. Criteria: Invitae Variant Classification Sherloc (09022015). Collection method: clinical testing. Allele origin: germline.
Comment: This sequence change replaces valine, which is neutral and non-polar, with isoleucine, which is neutral and non-polar, at codon 5 of the NEBL protein (p.Val5Ile). This variant is present in population databases (rs371069212, gnomAD 0.002%). This variant has not been reported in the literature in individuals affected with NEBL-related conditions. An algorithm developed to predict the effect of missense changes on protein structure and function outputs the following: PolyPhen-2: "Benign". The isoleucine amino acid residue is found in multiple mammalian species, which suggests that this missense change does not adversely affect protein function. In summary, the available evidence is currently insufficient to determine the role of this variant in disease. Therefore, it has been classified as a Variant of Uncertain Significance.

NM_006393.3(NEBL):c.13G>A (p.Val5Ile)

Gene: NEBL (nebulette; minus strand). Cytogenetic location: 10p12.31.
Variant type: single nucleotide variant.
Coding change: c.13G>A on transcript NM_006393.3 (MANE Select); coding-DNA position 13, G replaced by A.
Protein change: p.Val5Ile; replaces valine 5 with isoleucine.
Molecular consequence: missense variant. On other transcripts: intron variant (9).
Genome position (GRCh38, 1-based): chr10:20,897,193, C>T on the plus strand (G>A on the coding strand, the complement: NEBL is on the minus strand). VCF-style: chr10-20897193-C-T. GRCh37 (hg19) VCF-style: chr10-21186122-C-T.
Other names: c.249+64479G>A (NM_001377326.1, NM_001377327.1, NM_001377328.1); c.357+64479G>A (NM_213569.2, NM_001173484.2, NM_001377322.1); c.300+64479G>A (NM_001377324.1); c.291+64479G>A (NM_001377325.1); c.309+64479G>A (NM_001377323.1); short protein forms V5I.
Identifiers: ClinVar variation 4737147 (VCV004737147.1).